The following is an entry in ClinVar:

ClinVar aggregate classification (germline): Likely pathogenic (1 of 4 stars; one submission).

Conditions:
Catecholaminergic polymorphic ventricular tachycardia 1. Also called: VENTRICULAR TACHYCARDIA, STRESS-INDUCED POLYMORPHIC 1; VENTRICULAR TACHYCARDIA, CATECHOLAMINERGIC POLYMORPHIC, 1, WITH OR WITHOUT ATRIAL DYSFUNCTION AND/OR DILATED CARDIOMYOPATHY; RYR2-Related Catecholaminergic Polymorphic Ventricular Tachycardia. Identifiers: Orphanet 3286, MedGen C1631597, MONDO:0011484, OMIM 604772.

Allele frequency attached by ClinVar (database versions not stated): gnomAD exomes below 0.00001 and 0.00001.
gnomAD v4.1: 2 of 1,603,376 alleles (0.00012%); highest among the groups gnomAD compares: Admixed American, 0.0033%; no homozygotes.

Submission:

Labcorp Genetics (formerly Invitae), Labcorp
Classification: Likely pathogenic for Catecholaminergic polymorphic ventricular tachycardia 1. Last evaluated: 2024-02-24. Review status: criteria provided, single submitter. Criteria: Invitae Variant Classification Sherloc (09022015). Collection method: clinical testing. Allele origin: germline.
Comment: This sequence change affects an acceptor splice site in intron 8 of the CASQ2 gene. It is expected to disrupt RNA splicing. Variants that disrupt the donor or acceptor splice site typically lead to a loss of protein function (PMID: 16199547), and loss-of-function variants in CASQ2 are known to be pathogenic (PMID: 12386154). This variant is present in population databases (no rsID available, gnomAD 0.006%). This variant has not been reported in the literature in individuals affected with CASQ2-related conditions. ClinVar contains an entry for this variant (Variation ID: 1523438). Algorithms developed to predict the effect of sequence changes on RNA splicing suggest that this variant may disrupt the consensus splice site. In summary, the currently available evidence indicates that the variant is pathogenic, but additional data are needed to prove that conclusively. Therefore, this variant has been classified as Likely Pathogenic.

Literature cited by the submitters: PubMed 16199547; PubMed 12386154.

NM_001232.4(CASQ2):c.839-2A>G

Gene: CASQ2 (calsequestrin 2; minus strand). Cytogenetic location: 1p13.1.
Variant type: single nucleotide variant.
Coding change: c.839-2A>G on transcript NM_001232.4 (MANE Select); the canonical splice acceptor site of the intron before coding-DNA position 839, A replaced by G.
Molecular consequence: splice acceptor variant.
Genome position (GRCh38, 1-based): chr1:115,705,294, T>C on the plus strand (A>G on the coding strand, the complement: CASQ2 is on the minus strand). VCF-style: chr1-115705294-T-C. GRCh37 (hg19) VCF-style: chr1-116247915-T-C.
Identifiers: ClinVar variation 1523438 (VCV001523438.7), dbSNP rs1338756025, ClinGen allele CA341766951.